The following is an entry in ClinVar:

NM_212550.5(BLOC1S3):c.167_169dup (p.Val56_Ala57insVal)

Gene: BLOC1S3 (biogenesis of lysosomal organelles complex 1 subunit 3; plus strand). Cytogenetic location: 19q13.32.
Variant type: Duplication.
Coding change: c.167_169dup on transcript NM_212550.5 (MANE Select); coding-DNA positions 167 to 169, 3 bases duplicated (TGG; older notation c.167_169dupTGG).
Protein change: p.Val56_Ala57insVal.
Molecular consequence: inframe insertion.
Genome position (GRCh38, 1-based): chr19:45,179,463-45,179,465, TGG duplicated; duplicating any 3 consecutive bases within chr19:45,179,461-45,179,465 gives the same sequence; the c. name uses the placement nearest the transcript's 3' end. VCF-style (leftmost placement, unchanged base first): chr19-45179460-G-GGGT. GRCh37 (hg19) VCF-style: chr19-45682718-G-GGGT.
Identifiers: ClinVar variation 4802938 (VCV004802938.1).

ClinVar aggregate classification (germline): Uncertain significance (1 of 4 stars; one submission).

Submission:

Labcorp Genetics (formerly Invitae), Labcorp
Classification: Uncertain significance. Last evaluated: 2025-03-05. Review status: criteria provided, single submitter. Criteria: Invitae Variant Classification Sherloc (09022015). Collection method: clinical testing. Allele origin: germline.
Comment: This variant, c.167_169dup, results in the insertion of 1 amino acid(s) of the BLOC1S3 protein (p.Val56dup), but otherwise preserves the integrity of the reading frame. This variant is not present in population databases (gnomAD no frequency). This variant has not been reported in the literature in individuals affected with BLOC1S3-related conditions. In summary, the available evidence is currently insufficient to determine the role of this variant in disease. Therefore, it has been classified as a Variant of Uncertain Significance.